The following is an entry in ClinVar:

ClinVar aggregate classification (germline): Uncertain significance (1 of 4 stars; one submission).

Conditions:
Vesicoureteral reflux 2 (VUR2). Identifiers: Orphanet 289365, MedGen C1970483, MONDO:0012573, OMIM 610878.

Allele frequency attached by ClinVar (database versions not stated): gnomAD exomes below 0.00001.
gnomAD v4.1: 4 of 1,614,148 alleles (0.00025%); highest among the groups gnomAD compares: Non-Finnish European, 0.00034%; no homozygotes.

Submission:

Centre for Mendelian Genomics, University Medical Centre Ljubljana
Classification: Uncertain significance for Vesicoureteral reflux 2. Last evaluated: 2016-01-01. Review status: criteria provided, single submitter. Criteria: ACMG Guidelines, 2015. Collection method: clinical testing. Allele origin: unknown. Affected: yes.
Comment: This variant was classified as: Uncertain significance. The following ACMG criteria were applied in classifying this variant: PP3.

NM_001395656.1(ROBO2):c.3379G>A (p.Glu1127Lys)

Gene: ROBO2 (roundabout guidance receptor 2; plus strand). Cytogenetic location: 3p12.3.
Variant type: single nucleotide variant.
Coding change: c.3379G>A on transcript NM_001395656.1 (MANE Select); coding-DNA position 3379, G replaced by A.
Protein change: p.Glu1127Lys; replaces glutamic acid 1127 with lysine.
Molecular consequence: missense variant.
Genome position (GRCh38, 1-based): chr3:77,617,586, G>A. VCF-style: chr3-77617586-G-A. GRCh37 (hg19) VCF-style: chr3-77666737-G-A.
Other names: c.3415G>A, p.Glu1139Lys (NM_001128929.3); c.3379G>A, p.Glu1127Lys (NM_001290039.2, NM_001290040.2); c.1588G>A, p.Glu530Lys (NM_001290065.2); c.3427G>A, p.Glu1143Lys (NM_001378190.1, NM_001378200.1, NM_001378201.1 and 1 more transcripts); c.3553G>A, p.Glu1185Lys (NM_001378191.1, NM_001378195.1, NM_001378196.1); c.3448G>A, p.Glu1150Lys (NM_001378192.1, NM_001378198.1, NM_001378199.1); c.3367G>A, p.Glu1123Lys (NM_001378193.1, NM_002942.5); c.3565G>A, p.Glu1189Lys (NM_001378194.1); and 5 more; short protein forms E1123K, E1124K, E1189K, E1165K, E1139K, E1143K, E1150K, E1185K.
Identifiers: ClinVar variation 931412 (VCV000931412.4), dbSNP rs1371853103, ClinGen allele CA353531470.